The following is an entry in ClinVar:

NM_198578.4(LRRK2):c.1041G>T (p.Leu347Phe)

Gene: LRRK2 (leucine rich repeat kinase 2; plus strand). Cytogenetic location: 12q12.
Variant type: single nucleotide variant.
Coding change: c.1041G>T on transcript NM_198578.4 (MANE Select); coding-DNA position 1041, G replaced by T.
Protein change: p.Leu347Phe; replaces leucine 347 with phenylalanine.
Molecular consequence: missense variant.
Genome position (GRCh38, 1-based): chr12:40,251,314, G>T. VCF-style: chr12-40251314-G-T. GRCh37 (hg19) VCF-style: chr12-40645116-G-T.
Other names: short protein forms L347F.
Identifiers: ClinVar variation 3540713 (VCV003540713.1).

ClinVar aggregate classification (germline): Uncertain significance (1 of 4 stars; one submission).

Conditions:
Inborn genetic diseases. Identifiers: MedGen C0950123, MeSH D030342.

Submission:

Ambry Genetics
Classification: Uncertain significance for Inborn genetic diseases. Last evaluated: 2024-10-01. Review status: criteria provided, single submitter. Criteria: Ambry Variant Classification Scheme 2023. Collection method: clinical testing. Allele origin: germline.
Comment: The p.L347F variant (also known as c.1041G>T), located in coding exon 9 of the LRRK2 gene, results from a G to T substitution at nucleotide position 1041. The leucine at codon 347 is replaced by phenylalanine, an amino acid with highly similar properties. This amino acid position is conserved. In addition, this alteration is predicted to be tolerated by in silico analysis. Based on the available evidence, the clinical significance of this variant remains unclear.